The following is an entry in ClinVar:

NM_020457.3(THAP11):c.446T>C (p.Leu149Pro)

Genes: CENPT (centromere protein T; minus strand), THAP11 (THAP domain containing 11; plus strand). Cytogenetic location: 16q22.1.
Variant type: single nucleotide variant.
Coding change: c.446T>C on transcript NM_020457.3 (MANE Select); coding-DNA position 446, T replaced by C.
Protein change: p.Leu149Pro; replaces leucine 149 with proline.
Molecular consequence: missense variant. On other transcripts: intron variant (1).
Genome position (GRCh38, 1-based): chr16:67,843,000, T>C. VCF-style: chr16-67843000-T-C. GRCh37 (hg19) VCF-style: chr16-67876903-T-C.
Other names: c.-492+4401A>G (NM_025082.4); short protein forms L149P.
Identifiers: ClinVar variation 2758584 (VCV002758584.3), dbSNP rs769983436, ClinGen allele CA8118280.

ClinVar aggregate classification (germline): Uncertain significance (1 of 4 stars; one submission).

Allele frequency attached by ClinVar (database versions not stated): ExAC 0.00001; gnomAD exomes 0.00001; gnomAD 0.00002.
gnomAD v4.1: 10 of 1,612,434 alleles (0.00062%); highest among the groups gnomAD compares: South Asian, 0.011%; no homozygotes.

Submission:

Labcorp Genetics (formerly Invitae), Labcorp
Classification: Uncertain significance. Last evaluated: 2023-11-22. Review status: criteria provided, single submitter. Criteria: Invitae Variant Classification Sherloc (09022015). Collection method: clinical testing. Allele origin: germline.
Comment: This sequence change replaces leucine, which is neutral and non-polar, with proline, which is neutral and non-polar, at codon 149 of the THAP11 protein (p.Leu149Pro). This variant is present in population databases (rs769983436, gnomAD 0.003%). This variant has not been reported in the literature in individuals affected with THAP11-related conditions. Advanced modeling of protein sequence and biophysical properties (such as structural, functional, and spatial information, amino acid conservation, physicochemical variation, residue mobility, and thermodynamic stability) performed at Invitae indicates that this missense variant is not expected to disrupt THAP11 protein function with a negative predictive value of 80%. In summary, the available evidence is currently insufficient to determine the role of this variant in disease. Therefore, it has been classified as a Variant of Uncertain Significance.